The following is an entry in ClinVar:

ClinVar aggregate classification (germline): Benign/Likely benign. Review status: criteria provided, multiple submitters, no conflicts (2 of 4 stars). 5 submissions from 4 submitters: Benign (3); Likely benign (2). Last evaluated 2025-11-28.

Conditions:
Neuropathy, hereditary sensory, type 1D. Identifiers: Orphanet 36386, MedGen C3150972, MONDO:0013381, OMIM 613708.
Inborn genetic diseases. Identifiers: MedGen C0950123, MeSH D030342.
Hereditary spastic paraplegia 3A (SPG3A). Also called: Spastic Paraplegia 3A; Spastic paraplegia 3A, autosomal dominant; SPASTIC PARAPLEGIA 3, AUTOSOMAL DOMINANT; FAMILIAL SPASTIC PARAPLEGIA, AUTOSOMAL DOMINANT, 1; SPG3; STRUMPELL DISEASE. Identifiers: Orphanet 100984, MedGen C2931355, MONDO:0008437, OMIM 182600.

Submissions (5):

Labcorp Genetics (formerly Invitae), Labcorp
Classification: Benign for Hereditary spastic paraplegia 3A. Last evaluated: 2025-11-28. Review status: criteria provided, single submitter. Criteria: Invitae Variant Classification Sherloc (09022015). Collection method: clinical testing. Allele origin: germline.

GeneDx
Classification: Likely benign. Last evaluated: 2023-12-02. Review status: criteria provided, single submitter. Criteria: GeneDx Variant Classification Process June 2021. Collection method: clinical testing. Allele origin: germline. Affected: yes.
Comment: See Variant Classification Assertion Criteria.

Ambry Genetics
Classification: Likely benign for Inborn genetic diseases. Last evaluated: 2021-12-20. Review status: criteria provided, single submitter. Criteria: Ambry Variant Classification Scheme 2023. Collection method: clinical testing. Allele origin: germline.

Genome-Nilou Lab
Classification: Benign for Neuropathy, hereditary sensory, type 1D. Last evaluated: 2021-12-05. Review status: criteria provided, single submitter. Criteria: ACMG Guidelines, 2015. Collection method: clinical testing. Allele origin: germline. Affected: no.

Genome-Nilou Lab
Classification: Benign for Hereditary spastic paraplegia 3A. Last evaluated: 2021-12-05. Review status: criteria provided, single submitter. Criteria: ACMG Guidelines, 2015. Collection method: clinical testing. Allele origin: germline. Affected: no.

NM_015915.5(ATL1):c.991-3dup

Gene: ATL1 (atlastin GTPase 1; plus strand). Cytogenetic location: 14q22.1.
Variant type: Duplication.
Coding change: c.991-3dup on transcript NM_015915.5 (MANE Select); 3 bases into the intron before coding-DNA position 991, one base duplicated (T; older notation c.991-3dupT).
Molecular consequence: intron variant.
Genome position (GRCh38, 1-based): chr14:50,621,840, T duplicated; the last of 9 consecutive T bases (chr14:50,621,832-50,621,840); duplicating any one gives the same sequence. VCF-style (leftmost placement, unchanged base first): chr14-50621831-C-CT. GRCh37 (hg19) VCF-style: chr14-51088549-C-CT.
Other names: c.991-3dupT (NM_015915.4); c.991-3dup (NM_001127713.1, NM_181598.4).
Identifiers: ClinVar variation 422120 (VCV000422120.16), dbSNP rs753642042, ClinGen allele CA7180393.